The following is an entry in ClinVar:

NM_018972.4(GDAP1):c.72T>C (p.Val24=)

Genes: GDAP1 (ganglioside induced differentiation associated protein 1; plus strand), LOC130000622 (ATAC-STARR-seq lymphoblastoid active region 27542; plus strand). Cytogenetic location: 8q21.11.
Variant type: single nucleotide variant.
Coding change: c.72T>C on transcript NM_018972.4 (MANE Select); coding-DNA position 72, T replaced by C.
Protein change: p.Val24=; no amino-acid change (valine 24 retained).
Molecular consequence: synonymous variant. On other transcripts: 5 prime UTR variant (2), intron variant (1).
Genome position (GRCh38, 1-based): chr8:74,350,533, T>C. VCF-style: chr8-74350533-T-C. GRCh37 (hg19) VCF-style: chr8-75262768-T-C.
Other names: c.-111T>C (NM_001362929.2); c.72T>C, p.Val24= (NM_001362930.2, NM_001362931.2); c.-63T>C (NM_001362932.2); c.-64+61T>C (NM_001040875.4).
Identifiers: ClinVar variation 467769 (VCV000467769.38), dbSNP rs142674939, ClinGen allele CA4785013.
Genomic context (GRCh38, chr8:74,350,533, plus strand): 5'-GCAGGAAGAGCAGAGAGGGAGCCCGCCCTTGAGGGCGGAAGGCAAGGCCGACGCGGAGGT[T>C]AAGCTCATTCTGTACCATTGGACGCATTCCTTCAGCTCTCAAAAGGTACAACAGGCCTTG-3'
Protein context (NP_061845.2, residues 14-34): LRAEGKADAE[Val24=]KLILYHWTHS

ClinVar aggregate classification (germline): Benign/Likely benign. Review status: criteria provided, multiple submitters, no conflicts (2 of 4 stars). 6 submissions from 6 submitters: Benign (1); Likely benign (5). Last evaluated 2025-10-23.

Conditions:
GDAP1-related disorder. Also called: GDAP1-related condition; GDAP1-related disorders.
Inborn genetic diseases. Identifiers: MedGen C0950123, MeSH D030342.
Charcot-Marie-Tooth disease type 4A. Also called: Charcot-Marie-Tooth disease, demyelinating, autosomal recessive, type 4a. Identifiers: Orphanet 99948, MedGen C1859198, MONDO:0008961, OMIM 214400.

Allele frequency attached by ClinVar (database versions not stated): gnomAD 0.00010; gnomAD exomes 0.00012; ESP Exome Variant Server 0.00023; TOPMed 0.00012; ExAC 0.00018.

Submissions (6):

Labcorp Genetics (formerly Invitae), Labcorp
Classification: Likely benign for Charcot-Marie-Tooth disease type 4A. Last evaluated: 2025-10-23. Review status: criteria provided, single submitter. Criteria: Invitae Variant Classification Sherloc (09022015). Collection method: clinical testing. Allele origin: germline.

PreventionGenetics, part of Exact Sciences
Classification: Likely benign for GDAP1-related condition. Last evaluated: 2025-03-31. Review status: criteria provided, single submitter. Criteria: ACMG Guidelines, 2015. Collection method: clinical testing. Allele origin: germline.
Comment: This variant is classified as likely benign based on ACMG/AMP sequence variant interpretation guidelines (Richards et al. 2015 PMID: 25741868, with internal and published modifications).

Blueprint Genetics
Classification: Likely benign. Last evaluated: 2024-09-07. Review status: criteria provided, single submitter. Criteria: ACMG Guidelines, 2015. Collection method: clinical testing. Allele origin: germline.

Athena Diagnostics
Classification: Benign. Last evaluated: 2024-05-03. Review status: criteria provided, single submitter. Criteria: Athena Diagnostics Criteria. Collection method: clinical testing. Allele origin: unknown.

CeGaT Center for Human Genetics Tuebingen
Classification: Likely benign. Last evaluated: 2024-01-01. Review status: criteria provided, single submitter. Criteria: CeGaT Center For Human Genetics Tuebingen Variant Classification Criteria Version 2. Collection method: clinical testing. Allele origin: germline. Affected: yes. Observed: 1 variant allele.
Comment: GDAP1: BP4

Ambry Genetics
Classification: Likely benign for Inborn genetic diseases. Last evaluated: 2019-07-11. Review status: criteria provided, single submitter. Criteria: Ambry Variant Classification Scheme 2023. Collection method: clinical testing. Allele origin: germline.